The following is an entry in ClinVar:

ClinVar aggregate classification (germline): Uncertain significance (1 of 4 stars; one submission).

Allele frequency attached by ClinVar (database versions not stated): gnomAD exomes 0.00001; ESP Exome Variant Server 0.00008; TOPMed 0.00019; 1000 Genomes Project 30x 0.00031; 1000 Genomes Project 0.00040.
gnomAD v4.1: 48 of 1,613,702 alleles (0.003%); highest among the groups gnomAD compares: African/African-American, 0.063%; no homozygotes.

Submission:

Labcorp Genetics (formerly Invitae), Labcorp
Classification: Uncertain significance. Last evaluated: 2023-12-11. Review status: criteria provided, single submitter. Criteria: Invitae Variant Classification Sherloc (09022015). Collection method: clinical testing. Allele origin: germline.
Comment: This sequence change replaces lysine, which is basic and polar, with glutamine, which is neutral and polar, at codon 651 of the TMPRSS15 protein (p.Lys651Gln). This variant is present in population databases (rs139156916, gnomAD 0.09%). This variant has not been reported in the literature in individuals affected with TMPRSS15-related conditions. ClinVar contains an entry for this variant (Variation ID: 2068558). An algorithm developed to predict the effect of missense changes on protein structure and function (PolyPhen-2) suggests that this variant¬†is likely to be tolerated. In summary, the available evidence is currently insufficient to determine the role of this variant in disease. Therefore, it has been classified as a Variant of Uncertain Significance.

NM_002772.3(TMPRSS15):c.1951A>C (p.Lys651Gln)

Gene: TMPRSS15 (transmembrane serine protease 15; minus strand). Cytogenetic location: 21q21.1.
Variant type: single nucleotide variant.
Coding change: c.1951A>C on transcript NM_002772.3 (MANE Select); coding-DNA position 1951, A replaced by C.
Protein change: p.Lys651Gln; replaces lysine 651 with glutamine.
Molecular consequence: missense variant.
Genome position (GRCh38, 1-based): chr21:18,315,227, T>G on the plus strand (A>C on the coding strand, the complement: TMPRSS15 is on the minus strand). VCF-style: chr21-18315227-T-G. GRCh37 (hg19) VCF-style: chr21-19687544-T-G.
Other names: short protein forms K651Q.
Identifiers: ClinVar variation 2068558 (VCV002068558.2), dbSNP rs139156916, ClinGen allele CA9984254.